The following is an entry in ClinVar:

NM_018671.5(UNC45A):c.44C>T (p.Thr15Ile)

Genes: UNC45A (unc-45 myosin chaperone A; plus strand), LOC130057954 (ATAC-STARR-seq lymphoblastoid silent region 6833; plus strand). Cytogenetic location: 15q26.1.
Variant type: single nucleotide variant.
Coding change: c.44C>T on transcript NM_018671.5 (MANE Select); coding-DNA position 44, C replaced by T.
Protein change: p.Thr15Ile; replaces threonine 15 with isoleucine.
Molecular consequence: missense variant. On other transcripts: 5 prime UTR variant (1), intron variant (2).
Genome position (GRCh38, 1-based): chr15:90,935,368, C>T. VCF-style: chr15-90935368-C-T. GRCh37 (hg19) VCF-style: chr15-91478598-C-T.
Other names: c.44C>T, p.Thr15Ile (NM_001323619.1); c.-540C>T (NM_001323620.2); c.6+38C>T (NM_001039675.2, NM_001323621.2); short protein forms T15I.
Identifiers: ClinVar variation 1345613 (VCV001345613.4), dbSNP rs370654049, ClinGen allele CA274801875.

ClinVar aggregate classification (germline): Uncertain significance (1 of 4 stars; one submission).

Allele frequency attached by ClinVar (database versions not stated): gnomAD 0.00001; gnomAD exomes 0.00001; TOPMed 0.00002; ESP Exome Variant Server 0.00008.

Submission:

Labcorp Genetics (formerly Invitae), Labcorp
Classification: Uncertain significance. Last evaluated: 2024-10-22. Review status: criteria provided, single submitter. Criteria: Invitae Variant Classification Sherloc (09022015). Collection method: clinical testing. Allele origin: germline.
Comment: This sequence change replaces threonine, which is neutral and polar, with isoleucine, which is neutral and non-polar, at codon 15 of the UNC45A protein (p.Thr15Ile). This variant is present in population databases (rs370654049, gnomAD 0.006%). This variant has not been reported in the literature in individuals affected with UNC45A-related conditions. ClinVar contains an entry for this variant (Variation ID: 1345613). An algorithm developed to predict the effect of missense changes on protein structure and function outputs the following: PolyPhen-2: "Benign". The isoleucine amino acid residue is found in multiple mammalian species, which suggests that this missense change does not adversely affect protein function. In summary, the available evidence is currently insufficient to determine the role of this variant in disease. Therefore, it has been classified as a Variant of Uncertain Significance.